The following is an entry in ClinVar:

NM_014408.5(TRAPPC3):c.501C>G (p.Phe167Leu)

Gene: TRAPPC3 (trafficking protein particle complex subunit 3; minus strand). Cytogenetic location: 1p34.3.
Variant type: single nucleotide variant.
Coding change: c.501C>G on transcript NM_014408.5 (MANE Select); coding-DNA position 501, C replaced by G.
Protein change: p.Phe167Leu; replaces phenylalanine 167 with leucine.
Molecular consequence: missense variant. On other transcripts: non-coding transcript variant (2).
Genome position (GRCh38, 1-based): chr1:36,137,245, G>C on the plus strand (C>G on the coding strand, the complement: TRAPPC3 is on the minus strand). VCF-style: chr1-36137245-G-C. GRCh37 (hg19) VCF-style: chr1-36602846-G-C.
Other names: c.525C>G, p.Phe175Leu (NM_001270894.2); c.363C>G, p.Phe121Leu (NM_001270895.2, NM_001270896.2); c.303C>G, p.Phe101Leu (NM_001270897.2); c.501C>G (NM_014408.3); short protein forms F101L, F175L, F121L, F167L.
Identifiers: ClinVar variation 2978356 (VCV002978356.4), dbSNP rs774816296, ClinGen allele CA765231.

ClinVar aggregate classification (germline): Uncertain significance. Review status: criteria provided, multiple submitters, no conflicts (2 of 4 stars). 2 submissions from 2 submitters: Uncertain significance (2). Last evaluated 2025-10-04.

Allele frequency attached by ClinVar (database versions not stated): TOPMed 0.00002; ExAC 0.00002; gnomAD 0.00002.
gnomAD v4.1: 11 of 1,612,976 alleles (0.00068%); highest among the groups gnomAD compares: African/African-American, 0.0067%; no homozygotes.

Submissions (2):

Labcorp Genetics (formerly Invitae), Labcorp
Classification: Uncertain significance. Last evaluated: 2025-10-04. Review status: criteria provided, single submitter. Criteria: Invitae Variant Classification Sherloc (09022015). Collection method: clinical testing. Allele origin: germline.
Comment: This sequence change replaces phenylalanine, which is neutral and non-polar, with leucine, which is neutral and non-polar, at codon 175 of the TRAPPC3 protein (p.Phe175Leu). This variant is present in population databases (rs774816296, gnomAD 0.01%). This variant has not been reported in the literature in individuals affected with TRAPPC3-related conditions. ClinVar contains an entry for this variant (Variation ID: 2978356). Experimental studies and prediction algorithms are not available or were not evaluated, and the functional significance of this variant is currently unknown. In summary, the available evidence is currently insufficient to determine the role of this variant in disease. Therefore, it has been classified as a Variant of Uncertain Significance.

Ambry Genetics
Classification: Uncertain significance. Last evaluated: 2024-01-31. Review status: criteria provided, single submitter. Criteria: Ambry Variant Classification Scheme 2023. Collection method: clinical testing. Allele origin: germline.